The following is an entry in ClinVar:

NM_024675.4(PALB2):c.1971G>A (p.Glu657=)

Gene: PALB2 (partner and localizer of BRCA2; minus strand). Cytogenetic location: 16p12.2.
Variant type: single nucleotide variant.
Coding change: c.1971G>A on transcript NM_024675.4 (MANE Select); coding-DNA position 1971, G replaced by A.
Protein change: p.Glu657=; no amino-acid change (glutamic acid 657 retained).
Molecular consequence: synonymous variant.
Genome position (GRCh38, 1-based): chr16:23,630,183, C>T on the plus strand (G>A on the coding strand, the complement: PALB2 is on the minus strand). VCF-style: chr16-23630183-C-T. GRCh37 (hg19) VCF-style: chr16-23641504-C-T.
Identifiers: ClinVar variation 386545 (VCV000386545.10), dbSNP rs1057522528, ClinGen allele CA16608116.
Genomic context (GRCh38, chr16:23,630,183, plus strand): 5'-AACAATAAGGTCCTCTTCTAAGTCCTCCATTTCTGTATCCATGCGTTTAGGACTCAGTTC[C>T]TCTGGAAAAATACAGCTTCCCTCTTTAAGATGTCTCTCTCCAAACATTTTTGACTCAAAG-3'
Protein context (NP_078951.2, residues 647-667): HLKEGSCIFP[Glu657=]ELSPKRMDTE

ClinVar aggregate classification (germline): Likely benign. Review status: criteria provided, multiple submitters, no conflicts (2 of 4 stars). 3 submissions from 3 submitters: Likely benign (3). Last evaluated 2026-07-26.

Conditions:
Hereditary cancer-predisposing syndrome. Also called: Neoplastic Syndromes, Hereditary; Hereditary Cancer Syndrome; Tumor predisposition; Hereditary neoplastic syndrome. Identifiers: Orphanet 140162, MedGen C0027672, MeSH D009386, MONDO:0015356.
Familial cancer of breast. Also called: BREAST CANCER, FAMILIAL; hereditary breast carcinoma; Hereditary breast cancer. Identifiers: Orphanet 227535, MedGen C0346153, MONDO:0016419, OMIM 114480. Disease mechanism: loss of function.

Submissions (3):

Ambry Genetics
Classification: Likely benign for Hereditary cancer-predisposing syndrome. Last evaluated: 2026-07-26. Review status: criteria provided, single submitter. Criteria: Ambry Variant Classification Scheme 2023. Collection method: clinical testing. Allele origin: germline.

Labcorp Genetics (formerly Invitae), Labcorp
Classification: Likely benign for Familial cancer of breast. Last evaluated: 2021-03-22. Review status: criteria provided, single submitter. Criteria: Invitae Variant Classification Sherloc (09022015). Collection method: clinical testing. Allele origin: germline.

GeneDx
Classification: Likely benign. Last evaluated: 2016-05-26. Review status: criteria provided, single submitter. Criteria: GeneDx Variant Classification (06012015). Collection method: clinical testing. Allele origin: germline. Affected: yes.
Comment: This variant is considered likely benign or benign based on one or more of the following criteria: it is a conservative change, it occurs at a poorly conserved position in the protein, it is predicted to be benign by multiple in silico algorithms, and/or has population frequency not consistent with disease.